The following is an entry in ClinVar:

NM_198253.3(TERT):c.3349G>T (p.Ala1117Ser)

Gene: TERT (telomerase reverse transcriptase; minus strand). Cytogenetic location: 5p15.33.
Variant type: single nucleotide variant.
Coding change: c.3349G>T on transcript NM_198253.3 (MANE Select); coding-DNA position 3349, G replaced by T.
Protein change: p.Ala1117Ser; replaces alanine 1117 with serine.
Molecular consequence: missense variant. On other transcripts: non-coding transcript variant (2).
Genome position (GRCh38, 1-based): chr5:1,253,778, C>A on the plus strand (G>T on the coding strand, the complement: TERT is on the minus strand). VCF-style: chr5-1253778-C-A. GRCh37 (hg19) VCF-style: chr5-1253893-C-A.
Other names: c.3160G>T, p.Ala1054Ser (NM_001193376.3); short protein forms A1117S, A1054S.
Identifiers: ClinVar variation 851390 (VCV000851390.9), dbSNP rs749874887, ClinGen allele CA3184208.
Genomic context (GRCh38, chr5:1,253,778, plus strand): 5'-CGGGTGGCCATCAGTCCAGGATGGTCTTGAAGTCTGAGGGCAGTGCCGGGTTGGCTGCGG[C>A]CTCCAGGGCAGTCAGCGTCGTCCCCGGGAGCTTCCGACTCAGCTGCGTCTGGGCTGCGGG-3'
Protein context (NP_937983.2, residues 1107-1127): LPGTTLTALE[Ala1117Ser]AANPALPSDF

ClinVar aggregate classification (germline): Uncertain significance. Review status: criteria provided, multiple submitters, no conflicts (2 of 4 stars). 2 submissions from 2 submitters: Uncertain significance (2). Last evaluated 2022-12-26.

Conditions:
Dyskeratosis congenita. Identifiers: Orphanet 1775, MedGen C0265965, MONDO:0015780.
Idiopathic Pulmonary Fibrosis. Also called: Idiopathic fibrosing alveolitis, chronic form; idiopathic fibrosing alveolitis. Identifiers: Orphanet 2032, MedGen C1800706, MeSH D054990, MONDO:0800504.
Dyskeratosis congenita, autosomal dominant 2. Identifiers: MedGen C3151443, MONDO:0013521, OMIM 613989.

Allele frequency attached by ClinVar (database versions not stated): gnomAD exomes below 0.00001; ExAC 0.00001; gnomAD 0.00002; TOPMed 0.00002.
gnomAD v4.1: 3 of 1,612,178 alleles (0.00019%); highest among the groups gnomAD compares: African/African-American, 0.004%; no homozygotes.

Submissions (2):

Ambry Genetics
Classification: Uncertain significance for Dyskeratosis congenita. Last evaluated: 2022-12-26. Review status: criteria provided, single submitter. Criteria: Ambry Variant Classification Scheme 2023. Collection method: clinical testing. Allele origin: germline.
Comment: The p.A1117S variant (also known as c.3349G>T), located in coding exon 16 of the TERT gene, results from a G to T substitution at nucleotide position 3349. The alanine at codon 1117 is replaced by serine, an amino acid with similar properties. This amino acid position is conserved. In addition, the in silico prediction for this alteration is inconclusive. Since supporting evidence is limited at this time, the clinical significance of this alteration remains unclear.

Labcorp Genetics (formerly Invitae), Labcorp
Classification: Uncertain significance for Dyskeratosis congenita, autosomal dominant 2; Idiopathic Pulmonary Fibrosis. Last evaluated: 2022-05-14. Review status: criteria provided, single submitter. Criteria: Invitae Variant Classification Sherloc (09022015). Collection method: clinical testing. Allele origin: germline.
Comment: This sequence change replaces alanine, which is neutral and non-polar, with serine, which is neutral and polar, at codon 1117 of the TERT protein (p.Ala1117Ser). The frequency data for this variant in the population databases is considered unreliable, as metrics indicate poor data quality at this position in the gnomAD database. This variant has not been reported in the literature in individuals affected with TERT-related conditions. ClinVar contains an entry for this variant (Variation ID: 851390). Algorithms developed to predict the effect of missense changes on protein structure and function are either unavailable or do not agree on the potential impact of this missense change (SIFT: "Tolerated"; PolyPhen-2: "Possibly Damaging"; Align-GVGD: "Class C0"). In summary, the available evidence is currently insufficient to determine the role of this variant in disease. Therefore, it has been classified as a Variant of Uncertain Significance.